The following is an entry in ClinVar:

ClinVar aggregate classification (germline): Uncertain significance (1 of 4 stars; one submission).

Conditions:
Fanconi anemia (FA). Also called: Fanconi's anemia. Identifiers: Orphanet 84, MedGen C0015625, MeSH D005199, MONDO:0019391.

Allele frequency attached by ClinVar (database versions not stated): gnomAD exomes below 0.00001; TOPMed below 0.00001.
gnomAD v4.1: 1 of 1,612,794 alleles (0.000062%); highest among the groups gnomAD compares: Non-Finnish European, 0.000085%; no homozygotes.

Submission:

Labcorp Genetics (formerly Invitae), Labcorp
Classification: Uncertain significance for Fanconi anemia. Last evaluated: 2024-08-17. Review status: criteria provided, single submitter. Criteria: Invitae Variant Classification Sherloc (09022015). Collection method: clinical testing. Allele origin: germline.
Comment: This sequence change replaces serine, which is neutral and polar, with arginine, which is basic and polar, at codon 1169 of the FANCD2 protein (p.Ser1169Arg). This variant is not present in population databases (gnomAD no frequency). This variant has not been reported in the literature in individuals affected with FANCD2-related conditions. ClinVar contains an entry for this variant (Variation ID: 862712). Invitae Evidence Modeling of protein sequence and biophysical properties (such as structural, functional, and spatial information, amino acid conservation, physicochemical variation, residue mobility, and thermodynamic stability) indicates that this missense variant is not expected to disrupt FANCD2 protein function with a negative predictive value of 80%. In summary, the available evidence is currently insufficient to determine the role of this variant in disease. Therefore, it has been classified as a Variant of Uncertain Significance.

NM_001018115.3(FANCD2):c.3507T>G (p.Ser1169Arg)

Genes: FANCD2 (FA complementation group D2; plus strand), FANCD2OS (FANCD2 opposite strand; minus strand). Cytogenetic location: 3p25.3.
Variant type: single nucleotide variant.
Coding change: c.3507T>G on transcript NM_001018115.3 (MANE Select); coding-DNA position 3507, T replaced by G.
Protein change: p.Ser1169Arg; replaces serine 1169 with arginine.
Molecular consequence: missense variant. On other transcripts: intron variant (1).
Genome position (GRCh38, 1-based): chr3:10,088,489, T>G. VCF-style: chr3-10088489-T-G. GRCh37 (hg19) VCF-style: chr3-10130173-T-G.
Other names: c.3507T>G, p.Ser1169Arg (NM_001319984.2, NM_001374254.1, NM_033084.6); c.3396T>G, p.Ser1132Arg (NM_001374253.1); c.*44-6958A>C (NM_173472.2); short protein forms S1132R, S1169R.
Identifiers: ClinVar variation 862712 (VCV000862712.10), dbSNP rs1373304921, ClinGen allele CA351752966.